The following is an entry in ClinVar:

NM_006231.4(POLE):c.184T>C (p.Trp62Arg)

Gene: POLE (DNA polymerase epsilon, catalytic subunit; minus strand). Cytogenetic location: 12q24.33.
Variant type: single nucleotide variant.
Coding change: c.184T>C on transcript NM_006231.4 (MANE Select); coding-DNA position 184, T replaced by C.
Protein change: p.Trp62Arg; replaces tryptophan 62 with arginine.
Molecular consequence: missense variant.
Genome position (GRCh38, 1-based): chr12:132,681,158, A>G on the plus strand (T>C on the coding strand, the complement: POLE is on the minus strand). VCF-style: chr12-132681158-A-G. GRCh37 (hg19) VCF-style: chr12-133257744-A-G.
Other names: short protein forms W62R.
Identifiers: ClinVar variation 2100665 (VCV002100665.4), dbSNP rs2136033714, ClinGen allele CA387369727.
Genomic context (GRCh38, chr12:132,681,158, plus strand): 5'-GCAGCCATATTCCTGGGTGGGAGAAGGACCTAGTGCTTACAGGATGCATGTTAATGAGCC[A>G]GCCTGTCTTCTCACCAGGCTCCTTCAGCCGCTCAAAACCAAACCGCAAATCCATCTTATC-3'
Protein context (NP_006222.2, residues 52-72): RLKEPGEKTG[Trp62Arg]LINMHPTEIL

ClinVar aggregate classification (germline): Uncertain significance (1 of 4 stars; one submission).

Submission:

Labcorp Genetics (formerly Invitae), Labcorp
Classification: Uncertain significance. Last evaluated: 2022-02-20. Review status: criteria provided, single submitter. Criteria: Invitae Variant Classification Sherloc (09022015). Collection method: clinical testing. Allele origin: germline.
Comment: This variant has not been reported in the literature in individuals affected with POLE-related conditions. In summary, the available evidence is currently insufficient to determine the role of this variant in disease. Therefore, it has been classified as a Variant of Uncertain Significance. Algorithms developed to predict the effect of missense changes on protein structure and function are either unavailable or do not agree on the potential impact of this missense change (SIFT: "Deleterious"; PolyPhen-2: "Possibly Damaging"; Align-GVGD: "Class C0"). This variant is not present in population databases (gnomAD no frequency). This sequence change replaces tryptophan, which is neutral and slightly polar, with arginine, which is basic and polar, at codon 62 of the POLE protein (p.Trp62Arg).